The following is an entry in ClinVar:

NM_015557.3(CHD5):c.4629CTC[1] (p.Ser1545del)

Gene: CHD5 (chromodomain helicase DNA binding protein 5; minus strand). Cytogenetic location: 1p36.31.
Variant type: Microsatellite.
Coding change: c.4629CTC[1] on transcript NM_015557.3 (MANE Select); one copy of the 3-base unit CTC starting at c.4629; the reference has two copies in a row; one copy, 3 bases deleted.
Protein change: p.Ser1545del; deletes serine 1545.
Molecular consequence: inframe deletion.
Genome position (GRCh38, 1-based): chr1:6,124,013-6,124,015, GAG deleted on the plus strand (CTC on the coding strand, the reverse complement: CHD5 is on the minus strand); deleting any 3 consecutive bases within chr1:6,124,013-6,124,018 gives the same sequence; the position shown is the placement nearest the transcript's 3' end. VCF-style (leftmost placement, unchanged base first): chr1-6124012-CGAG-C. GRCh37 (hg19) VCF-style: chr1-6184072-CGAG-C.
Other names: short protein forms S1545del.
Identifiers: ClinVar variation 5017064 (VCV005017064.1).
Genomic context (GRCh38, chr1:6,124,012, plus strand): 5'-CAGGCCCAGCGGGGCTGGCAGGAGGTGGGCAGGGCTGGCGGGCACTGGTGTGTTGGGGTC[CGAG>C]GAGATCACCTCGCCCGACTTCTTCCCCTCGGGCCCCTCAGGGATCAAGTCTGGGGTGCTG-3'

ClinVar aggregate classification (germline): Uncertain significance (1 of 4 stars; one submission).

Submission:

GeneDx
Classification: Uncertain significance. Last evaluated: 2026-03-26. Review status: criteria provided, single submitter. Criteria: GeneDx Variant Classification Process June 2021. Collection method: clinical testing. Allele origin: germline.
Comment: Not observed at significant frequency in large population cohorts (gnomAD); In silico analysis supports a deleterious effect on protein structure/function; Has not been previously published as pathogenic or benign to our knowledge